The following is an entry in ClinVar:

ClinVar aggregate classification (germline): Uncertain significance. Review status: criteria provided, multiple submitters, no conflicts (2 of 4 stars). 2 submissions from 2 submitters: Uncertain significance (2). Last evaluated 2024-01-07.

Conditions:
KBG syndrome (KBGS). Also called: ANKRD11-Related KBG Syndrome. Identifiers: Orphanet 2332, MedGen C0220687, MONDO:0007846, OMIM 148050.

Allele frequency attached by ClinVar (database versions not stated): TOPMed below 0.00001.
gnomAD v4.1: 7 of 1,613,870 alleles (0.00043%); highest among the groups gnomAD compares: African/African-American, 0.0027%; no homozygotes.

Submissions (2):

Fulgent Genetics
Classification: Uncertain significance for KBG syndrome. Last evaluated: 2024-01-07. Review status: criteria provided, single submitter. Criteria: ACMG Guidelines, 2015. Collection method: clinical testing. Allele origin: germline.

CeGaT Center for Human Genetics Tuebingen
Classification: Uncertain significance. Last evaluated: 2023-10-01. Review status: criteria provided, single submitter. Criteria: CeGaT Center For Human Genetics Tuebingen Variant Classification Criteria Version 2. Collection method: clinical testing. Allele origin: germline. Affected: yes. Observed: 1 variant allele.
Comment: ANKRD11: PM2, BP4

NM_013275.6(ANKRD11):c.2071C>T (p.Arg691Cys)

Gene: ANKRD11 (ankyrin repeat domain 11; minus strand). Cytogenetic location: 16q24.3.
Variant type: single nucleotide variant.
Coding change: c.2071C>T on transcript NM_013275.6 (MANE Select); coding-DNA position 2071, C replaced by T.
Protein change: p.Arg691Cys; replaces arginine 691 with cysteine.
Molecular consequence: missense variant.
Genome position (GRCh38, 1-based): chr16:89,284,471, G>A on the plus strand (C>T on the coding strand, the complement: ANKRD11 is on the minus strand). VCF-style: chr16-89284471-G-A. GRCh37 (hg19) VCF-style: chr16-89350879-G-A.
Other names: c.2071C>T, p.Arg691Cys (NM_001256182.2, NM_001256183.2); short protein forms R691C.
Identifiers: ClinVar variation 2647086 (VCV002647086.25), dbSNP rs2034504829, ClinGen allele CA397163267.